The following is an entry in ClinVar:

ClinVar aggregate classification (germline): Pathogenic. Review status: criteria provided, multiple submitters, no conflicts (2 of 4 stars). 2 submissions from 2 submitters: Pathogenic (2). Last evaluated 2023-04-26.

Conditions:
GNAS-related disorder. Identifiers: MedGen CN380105.
Pseudopseudohypoparathyroidism (PPHP). Also called: Pseudopseudohypoparathyroidism (PPHP); ALBRIGHT HEREDITARY OSTEODYSTROPHY WITHOUT MULTIPLE HORMONE RESISTANCE. Identifiers: Orphanet 79445, MedGen C0033835, MONDO:0012912, OMIM 612463.

Submissions (2):

PreventionGenetics, part of Exact Sciences
Classification: Pathogenic for GNAS-related condition. Last evaluated: 2023-04-26. Review status: criteria provided, single submitter. Criteria: ACMG Guidelines, 2015. Collection method: clinical testing. Allele origin: germline.
Comment: The GNAS c.1125_1126delGT variant is predicted to result in a frameshift and premature protein termination (p.Phe376Glnfs*5). This variant was reported in a large cohort study of individuals with pseudohypoparathyroidism 1a or pseudopseudohypoparathyroidism (Reported as c.1128_1129del in Table S2, Snanoudj et al 2020. PubMed ID: 31886927). To our knowledge, this variant has not been reported in a large population database, indicating this variant is rare. Frameshift variants in GNAS are expected to be pathogenic. This variant is interpreted as pathogenic.

Johns Hopkins Genomics, Johns Hopkins University
Classification: Pathogenic for Pseudopseudohypoparathyroidism. Last evaluated: 2022-08-19. Review status: criteria provided, single submitter. Criteria: ACMG Guidelines, 2015. Collection method: clinical testing. Allele origin: germline.
Comment: This GNAS frameshift variant is absent from a large population dataset and has not been reported in ClinVar nor the literature, to our knowledge. This frameshift variant is predicted to lead to a premature stop codon in the last exon of the gene, likely escaping nonsense-mediated decay and resulting in a truncated protein product. The terminal 15 amino acids, predicted to be missing in the truncated protein, have an important role in receptor binding. We consider c.1125_1126delGT in GNAS to be pathogenic.

Literature cited by the submitters: PubMed 10980525 (cited by Johns Hopkins Genomics, Johns Hopkins University); PubMed 21488135 (cited by Johns Hopkins Genomics, Johns Hopkins University).

NM_000516.7(GNAS):c.1125_1126del (p.Phe376fs)

Gene: GNAS (GNAS complex locus; plus strand). Cytogenetic location: 20q13.32.
Variant type: Microsatellite.
Coding change: c.1125_1126del on transcript NM_000516.7 (MANE Select); coding-DNA positions 1125 to 1126, 2 bases deleted (GT; older notation c.1125_1126delGT).
Protein change: p.Phe376fs; shifts the reading frame from phenylalanine 376.
Molecular consequence: frameshift variant. On other transcripts: 3 prime UTR variant (2).
Genome position (GRCh38, 1-based): chr20:58,910,769-58,910,770, GT deleted; deleting any 2 consecutive bases within chr20:58,910,765-58,910,770 gives the same sequence; the c. name uses the placement nearest the transcript's 3' end. VCF-style (leftmost placement, unchanged base first): chr20-58910764-CGT-C. GRCh37 (hg19) VCF-style: chr20-57485819-CGT-C.
Other names: c.1128_1129del, p.Phe377fs (NM_001077488.5); c.1080_1081del, p.Phe361fs (NM_001077489.4); c.*982GT[2] (NM_001077490.3); c.948_949del, p.Phe317fs (NM_001309840.2, NM_001309861.2); c.1025_1026GT[2], p.Phe344Glnfs (NM_001410912.1); c.3005_3006GT[2], p.Phe1004Glnfs (NM_001410913.1); c.*1027GT[2] (NM_016592.5); c.3054_3055del, p.Phe1019fs (NM_080425.4); and 1 more; short protein forms F377fs, F362fs, F376fs, F1019fs, F317fs, F361fs.
Identifiers: ClinVar variation 1704397 (VCV001704397.2), dbSNP rs2517296553, ClinGen allele CA2580616354.